The following is an entry in ClinVar:

ClinVar aggregate classification (germline): Uncertain significance (1 of 4 stars; one submission).

Allele frequency attached by ClinVar (database versions not stated): gnomAD exomes below 0.00001.
gnomAD v4.1: 1 of 1,549,198 alleles (0.000065%); highest among the groups gnomAD compares: Non-Finnish European, 0.000087%; no homozygotes.

Submission:

Labcorp Genetics (formerly Invitae), Labcorp
Classification: Uncertain significance. Last evaluated: 2021-12-21. Review status: criteria provided, single submitter. Criteria: Invitae Variant Classification Sherloc (09022015). Collection method: clinical testing. Allele origin: germline.
Comment: This variant is not present in population databases (gnomAD no frequency). This sequence change replaces aspartic acid, which is acidic and polar, with glutamic acid, which is acidic and polar, at codon 991 of the WDR62 protein (p.Asp991Glu). This variant has not been reported in the literature in individuals affected with WDR62-related conditions. In summary, the available evidence is currently insufficient to determine the role of this variant in disease. Therefore, it has been classified as a Variant of Uncertain Significance. Algorithms developed to predict the effect of missense changes on protein structure and function (SIFT, PolyPhen-2, Align-GVGD) all suggest that this variant is likely to be tolerated.

NM_001083961.2(WDR62):c.2973C>G (p.Asp991Glu)

Gene: WDR62 (WD repeat domain 62; plus strand). Cytogenetic location: 19q13.12.
Variant type: single nucleotide variant.
Coding change: c.2973C>G on transcript NM_001083961.2 (MANE Select); coding-DNA position 2973, C replaced by G.
Protein change: p.Asp991Glu; replaces aspartic acid 991 with glutamic acid.
Molecular consequence: missense variant. On other transcripts: intron variant (1).
Genome position (GRCh38, 1-based): chr19:36,101,665, C>G. VCF-style: chr19-36101665-C-G. GRCh37 (hg19) VCF-style: chr19-36592567-C-G.
Other names: c.2958C>G, p.Asp986Glu (NM_001411145.1); c.2622C>G, p.Asp874Glu (NM_001411147.1); c.2973C>G, p.Asp991Glu (NM_173636.5); c.2971+348C>G (NM_001411146.1); short protein forms D991E, D986E, D874E.
Identifiers: ClinVar variation 2032225 (VCV002032225.4), dbSNP rs1973346055, ClinGen allele CA405448909.